The following is an entry in ClinVar:

ClinVar aggregate classification (germline): Uncertain significance. Review status: criteria provided, multiple submitters, no conflicts (2 of 4 stars). 2 submissions from 2 submitters: Uncertain significance (2). Last evaluated 2024-04-22.

Conditions:
Aortic valve disease 2 (AOVD2). Identifiers: MedGen C3542024, MONDO:0013902, OMIM 614823.
Inborn genetic diseases. Identifiers: MedGen C0950123, MeSH D030342.

Allele frequency attached by ClinVar (database versions not stated): gnomAD 0.00002 and 0.00004.

Submissions (2):

Labcorp Genetics (formerly Invitae), Labcorp
Classification: Uncertain significance for Aortic valve disease 2. Last evaluated: 2024-04-22. Review status: criteria provided, single submitter. Criteria: Invitae Variant Classification Sherloc (09022015). Collection method: clinical testing. Allele origin: germline.
Comment: This sequence change replaces aspartic acid, which is acidic and polar, with asparagine, which is neutral and polar, at codon 106 of the SMAD6 protein (p.Asp106Asn). This variant is present in population databases (no rsID available, gnomAD 0.01%). This variant has not been reported in the literature in individuals affected with SMAD6-related conditions. ClinVar contains an entry for this variant (Variation ID: 1430216). An algorithm developed to predict the effect of missense changes on protein structure and function (PolyPhen-2) suggests that this variant is likely to be tolerated. In summary, the available evidence is currently insufficient to determine the role of this variant in disease. Therefore, it has been classified as a Variant of Uncertain Significance.

Ambry Genetics
Classification: Uncertain significance for Inborn genetic diseases. Last evaluated: 2021-06-23. Review status: criteria provided, single submitter. Criteria: Ambry Variant Classification Scheme 2023. Collection method: clinical testing. Allele origin: germline.
Comment: The p.D106N variant (also known as c.316G>A), located in coding exon 1 of the SMAD6 gene, results from a G to A substitution at nucleotide position 316. The aspartic acid at codon 106 is replaced by asparagine, an amino acid with highly similar properties. This amino acid position is conserved. In addition, this alteration is predicted to be tolerated by in silico analysis. Since supporting evidence is limited at this time, the clinical significance of this alteration remains unclear.

NM_005585.5(SMAD6):c.316G>A (p.Asp106Asn)

Gene: SMAD6 (SMAD family member 6; plus strand). Cytogenetic location: 15q22.31.
Variant type: single nucleotide variant.
Coding change: c.316G>A on transcript NM_005585.5 (MANE Select); coding-DNA position 316, G replaced by A.
Protein change: p.Asp106Asn; replaces aspartic acid 106 with asparagine.
Molecular consequence: missense variant. On other transcripts: non-coding transcript variant (1).
Genome position (GRCh38, 1-based): chr15:66,703,574, G>A. VCF-style: chr15-66703574-G-A. GRCh37 (hg19) VCF-style: chr15-66995912-G-A.
Other names: short protein forms D106N.
Identifiers: ClinVar variation 1430216 (VCV001430216.7), dbSNP rs981951560, ClinGen allele CA271682850.
Genomic context (GRCh38, chr15:66,703,574, plus strand): 5'-GCAGGGGGCCCCCCGAGGCCCATGTCGGAGCCAGGGGCCGGCGCTGGGAGCTCCCTGCTG[G>A]ACGTGGCGGAGCCGGGAGGCCCGGGCTGGCTGCCCGAGAGTGACTGCGAGACGGTGACCT-3'
Protein context (NP_005576.3, residues 96-116): PGAGAGSSLL[Asp106Asn]VAEPGGPGWL